The following is an entry in ClinVar:

ClinVar aggregate classification (germline): Uncertain significance. Review status: criteria provided, multiple submitters, no conflicts (2 of 4 stars). 2 submissions from 2 submitters: Uncertain significance (2). Last evaluated 2024-07-30.

Conditions:
Inborn genetic diseases. Identifiers: MedGen C0950123, MeSH D030342.

Allele frequency attached by ClinVar (database versions not stated): gnomAD 0.00003 and 0.00004; gnomAD exomes 0.00004 and 0.00007; ExAC 0.00005; TOPMed 0.00005.
gnomAD v4.1: 110 of 1,614,078 alleles (0.0068%); highest among the groups gnomAD compares: Non-Finnish European, 0.0089%; no homozygotes.

Submissions (2):

Ambry Genetics
Classification: Uncertain significance for Inborn genetic diseases. Last evaluated: 2024-07-30. Review status: criteria provided, single submitter. Criteria: Ambry Variant Classification Scheme 2023. Collection method: clinical testing. Allele origin: germline.

Labcorp Genetics (formerly Invitae), Labcorp
Classification: Uncertain significance. Last evaluated: 2022-08-31. Review status: criteria provided, single submitter. Criteria: Invitae Variant Classification Sherloc (09022015). Collection method: clinical testing. Allele origin: germline.
Comment: This sequence change replaces isoleucine, which is neutral and non-polar, with methionine, which is neutral and non-polar, at codon 316 of the TNFSF11 protein (p.Ile316Met). This variant is present in population databases (rs200689190, gnomAD 0.007%). This variant has not been reported in the literature in individuals affected with TNFSF11-related conditions. ClinVar contains an entry for this variant (Variation ID: 1396738). Algorithms developed to predict the effect of missense changes on protein structure and function are either unavailable or do not agree on the potential impact of this missense change (SIFT: "Deleterious"; PolyPhen-2: "Benign"; Align-GVGD: "Class C0"). In summary, the available evidence is currently insufficient to determine the role of this variant in disease. Therefore, it has been classified as a Variant of Uncertain Significance.

NM_003701.4(TNFSF11):c.948A>G (p.Ile316Met)

Gene: TNFSF11 (TNF superfamily member 11; plus strand). Cytogenetic location: 13q14.11.
Variant type: single nucleotide variant.
Coding change: c.948A>G on transcript NM_003701.4 (MANE Select); coding-DNA position 948, A replaced by G.
Protein change: p.Ile316Met; replaces isoleucine 316 with methionine.
Molecular consequence: missense variant.
Genome position (GRCh38, 1-based): chr13:42,606,912, A>G. VCF-style: chr13-42606912-A-G. GRCh37 (hg19) VCF-style: chr13-43181048-A-G.
Other names: c.729A>G, p.Ile243Met (NM_033012.4); c.948A>G (NM_003701.3); short protein forms I243M, I316M.
Identifiers: ClinVar variation 1396738 (VCV001396738.7), dbSNP rs200689190, ClinGen allele CA6967328.